The following is an entry in ClinVar:

ClinVar aggregate classification (germline): Uncertain significance (1 of 4 stars; one submission).

Submission:

Labcorp Genetics (formerly Invitae), Labcorp
Classification: Uncertain significance. Last evaluated: 2023-08-10. Review status: criteria provided, single submitter. Criteria: Invitae Variant Classification Sherloc (09022015). Collection method: clinical testing. Allele origin: unknown.
Comment: This variant is a gross deletion of the genomic region encompassing exon(s) 12-17 of the TRAP1 gene. This deletion is out-of-frame, and is expected to create a premature translational stop signal and result in an absent or disrupted protein product. However, the current clinical and genetic evidence is not sufficient to establish whether loss-of-function variants in TRAP1 cause disease. This variant has not been reported in the literature in individuals affected with TRAP1-related conditions. In summary, the available evidence is currently insufficient to determine the role of this variant in disease. Therefore, it has been classified as a Variant of Uncertain Significance.

NC_000016.9:g.(?_3708774)_(3716139_?)del

Gene: TRAP1 (TNF receptor associated protein 1; minus strand). Cytogenetic location: 16p13.3.
Variant type: Deletion.
Identifiers: ClinVar variation 3243653 (VCV003243653.1).